The following is an entry in ClinVar:

NM_001276270.2(MBD4):c.939_940insT (p.Glu314Ter)

Gene: MBD4 (methyl-CpG binding domain 4, DNA glycosylase; minus strand). Cytogenetic location: 3q21.3.
Variant type: Insertion.
Coding change: c.939_940insT on transcript NM_001276270.2 (MANE Select); coding-DNA positions 939 to 940, T inserted.
Protein change: p.Glu314Ter; replaces glutamic acid 314 with a stop codon.
Molecular consequence: nonsense. On other transcripts: intron variant (1).
Genome position: GRCh38 VCF-style: chr3-129436704-C-CA. GRCh37 (hg19) VCF-style: chr3-129155547-C-CA.
Other names: c.939_940insT, p.Glu314Ter (NM_001276271.2, NM_001276272.2, NM_003925.3); c.247+1103_247+1104insT (NM_001276273.2); short protein forms E314*.
Identifiers: ClinVar variation 3870857 (VCV003870857.1).

ClinVar aggregate classification (germline): Pathogenic (1 of 4 stars; one submission).

Conditions:
Inborn genetic diseases. Identifiers: MedGen C0950123, MeSH D030342.

Submission:

Ambry Genetics
Classification: Pathogenic for Inborn genetic diseases. Last evaluated: 2024-12-31. Review status: criteria provided, single submitter. Criteria: Ambry Variant Classification Scheme 2023. Collection method: clinical testing. Allele origin: germline.
Comment: The c.939_940insT pathogenic mutation, located in coding exon 3 of the MBD4 gene, results from an insertion of one nucleotide at position 939, causing a translational frameshift with a predicted alternate stop codon (p.E314*). This variant is considered to be rare based on population cohorts in the Genome Aggregation Database (gnomAD). This alteration is expected to result in loss of function by premature protein truncation or nonsense-mediated mRNA decay. As such, this alteration is interpreted as a disease-causing mutation.